The following is an entry in ClinVar:

NM_000179.3(MSH6):c.3840G>T (p.Gln1280His)

Gene: MSH6 (mutS homolog 6; plus strand). Cytogenetic location: 2p16.3.
Variant type: single nucleotide variant.
Coding change: c.3840G>T on transcript NM_000179.3 (MANE Select); coding-DNA position 3840, G replaced by T.
Protein change: p.Gln1280His; replaces glutamine 1280 with histidine.
Molecular consequence: missense variant.
Genome position (GRCh38, 1-based): chr2:47,806,490, G>T. VCF-style: chr2-47806490-G-T. GRCh37 (hg19) VCF-style: chr2-48033629-G-T.
Other names: c.3450G>T, p.Gln1150His (NM_001281492.2); c.2934G>T, p.Gln978His (NM_001281493.2, NM_001281494.2, NM_001406823.1 and 6 more transcripts); c.3936G>T, p.Gln1312His (NM_001406795.1); c.3840G>T, p.Gln1280His (NM_001406796.1, NM_001406808.1, NM_001406809.1); c.3543G>T, p.Gln1181His (NM_001406797.1, NM_001406801.1, NM_001406805.1 and 10 more transcripts); c.3666G>T, p.Gln1222His (NM_001406798.1); c.3315G>T, p.Gln1105His (NM_001406799.1, NM_001406806.1, NM_001406807.1); c.3827G>T, p.Arg1276Met (NM_001406800.1); and 8 more; short protein forms Q1105H, Q1222H, Q1224H, Q1254H, Q1150H, Q1181H, Q1280H, Q1312H.
Identifiers: ClinVar variation 1735440 (VCV001735440.8), dbSNP rs1572746501, ClinGen allele CA346761292.

ClinVar aggregate classification (germline): Uncertain significance. Review status: criteria provided, multiple submitters, no conflicts (2 of 4 stars). 3 submissions from 3 submitters: Uncertain significance (3). Last evaluated 2025-12-14.

Conditions:
Hereditary nonpolyposis colorectal neoplasms. Identifiers: MedGen C0009405, MeSH D003123.
Hereditary cancer-predisposing syndrome. Also called: Neoplastic Syndromes, Hereditary; Tumor predisposition; Hereditary Cancer Syndrome; Hereditary neoplastic syndrome. Identifiers: Orphanet 140162, MedGen C0027672, MeSH D009386, MONDO:0015356.

Submissions (3):

Labcorp Genetics (formerly Invitae), Labcorp
Classification: Uncertain significance for Hereditary nonpolyposis colorectal neoplasms. Last evaluated: 2025-12-14. Review status: criteria provided, single submitter. Criteria: Invitae Variant Classification Sherloc (09022015). Collection method: clinical testing. Allele origin: germline.
Comment: This sequence change replaces glutamine, which is neutral and polar, with histidine, which is basic and polar, at codon 1280 of the MSH6 protein (p.Gln1280His). This variant is not present in population databases (gnomAD no frequency). This variant has not been reported in the literature in individuals affected with MSH6-related conditions. ClinVar contains an entry for this variant (Variation ID: 1735440). Invitae Evidence Modeling of protein sequence and biophysical properties (such as structural, functional, and spatial information, amino acid conservation, physicochemical variation, residue mobility, and thermodynamic stability) indicates that this missense variant is not expected to disrupt MSH6 protein function with a negative predictive value of 95%. In summary, the available evidence is currently insufficient to determine the role of this variant in disease. Therefore, it has been classified as a Variant of Uncertain Significance.

Color Diagnostics, LLC DBA Color Health
Classification: Uncertain significance for Hereditary cancer-predisposing syndrome. Last evaluated: 2025-06-09. Review status: criteria provided, single submitter. Criteria: ACMG Guidelines, 2015. Collection method: clinical testing. Allele origin: germline.
Comment: This missense variant replaces glutamine with histidine at codon 1280 of the MSH6 protein. Computational prediction is inconclusive regarding the impact of this variant on protein structure and function. To our knowledge, functional studies have not been reported for this variant. This variant has not been reported in individuals affected with MSH6-related disorders in the literature. This variant has not been identified in the general population by the Genome Aggregation Database (gnomAD). The available evidence is insufficient to determine the role of this variant in disease conclusively. Therefore, this variant is classified as a Variant of Uncertain Significance.

Ambry Genetics
Classification: Uncertain significance for Hereditary cancer-predisposing syndrome. Last evaluated: 2021-02-24. Review status: criteria provided, single submitter. Criteria: Ambry Variant Classification Scheme 2023. Collection method: clinical testing. Allele origin: germline.
Comment: The p.Q1280H variant (also known as c.3840G>T), located in coding exon 9 of the MSH6 gene, results from a G to T substitution at nucleotide position 3840. The glutamine at codon 1280 is replaced by histidine, an amino acid with highly similar properties. This amino acid position is highly conserved in available vertebrate species. In addition, this alteration is predicted to be deleterious by in silico analysis. Since supporting evidence is limited at this time, the clinical significance of this alteration remains unclear.